The following is an entry in ClinVar:

ClinVar aggregate classification (germline): Uncertain significance. Review status: criteria provided, multiple submitters, no conflicts (2 of 4 stars). 2 submissions from 2 submitters: Uncertain significance (2). Last evaluated 2026-07-02.

Conditions:
Hereditary cancer-predisposing syndrome. Also called: Hereditary Cancer Syndrome; Neoplastic Syndromes, Hereditary; Hereditary neoplastic syndrome; Tumor predisposition. Identifiers: Orphanet 140162, MedGen C0027672, MeSH D009386, MONDO:0015356.
Familial cancer of breast. Also called: hereditary breast carcinoma; Hereditary breast cancer; BREAST CANCER, FAMILIAL. Identifiers: Orphanet 227535, MedGen C0346153, MONDO:0016419, OMIM 114480. Disease mechanism: loss of function.

Allele frequency attached by ClinVar (database versions not stated): gnomAD exomes below 0.00001.
gnomAD v4.1: 1 of 1,613,300 alleles (0.000062%); highest among the groups gnomAD compares: Admixed American, 0.0017%; no homozygotes.

Submissions (2):

Ambry Genetics
Classification: Uncertain significance for Hereditary cancer-predisposing syndrome. Last evaluated: 2026-07-02. Review status: criteria provided, single submitter. Criteria: Ambry Variant Classification Scheme 2023. Collection method: clinical testing. Allele origin: germline.
Comment: The p.S136G variant (also known as c.406A>G), located in coding exon 4 of the PALB2 gene, results from an A to G substitution at nucleotide position 406. The serine at codon 136 is replaced by glycine, an amino acid with similar properties. This amino acid position is conserved. In addition, this alteration is predicted to be tolerated by in silico analysis. Based on the available evidence, the clinical significance of this variant remains unclear.

Labcorp Genetics (formerly Invitae), Labcorp
Classification: Uncertain significance for Familial cancer of breast. Last evaluated: 2021-09-26. Review status: criteria provided, single submitter. Criteria: Invitae Variant Classification Sherloc (09022015). Collection method: clinical testing. Allele origin: germline.
Comment: This sequence change replaces serine with glycine at codon 136 of the PALB2 protein (p.Ser136Gly). The serine residue is weakly conserved and there is a small physicochemical difference between serine and glycine. This variant is not present in population databases (ExAC no frequency). This variant has not been reported in the literature in individuals affected with PALB2-related conditions. Algorithms developed to predict the effect of missense changes on protein structure and function output the following: SIFT: "Tolerated"; PolyPhen-2: "Benign"; Align-GVGD: "Class C0". The glycine amino acid residue is found in multiple mammalian species, which suggests that this missense change does not adversely affect protein function. In summary, the available evidence is currently insufficient to determine the role of this variant in disease. Therefore, it has been classified as a Variant of Uncertain Significance.

NM_024675.4(PALB2):c.406A>G (p.Ser136Gly)

Gene: PALB2 (partner and localizer of BRCA2; minus strand). Cytogenetic location: 16p12.2.
Variant type: single nucleotide variant.
Coding change: c.406A>G on transcript NM_024675.4 (MANE Select); coding-DNA position 406, A replaced by G.
Protein change: p.Ser136Gly; replaces serine 136 with glycine.
Molecular consequence: missense variant.
Genome position (GRCh38, 1-based): chr16:23,636,140, T>C on the plus strand (A>G on the coding strand, the complement: PALB2 is on the minus strand). VCF-style: chr16-23636140-T-C. GRCh37 (hg19) VCF-style: chr16-23647461-T-C.
Other names: c.406A>G (NM_024675.3); short protein forms S136G.
Identifiers: ClinVar variation 1368667 (VCV001368667.8), dbSNP rs144496685, ClinGen allele CA395137386.